The following is an entry in ClinVar:

ClinVar aggregate classification (germline): Benign/Likely benign. Review status: criteria provided, multiple submitters, no conflicts (2 of 4 stars). 3 submissions from 3 submitters: Benign (1); Likely benign (2). Last evaluated 2026-05-13.

Allele frequency attached by ClinVar (database versions not stated): 1000 Genomes Project 30x 0.00172; 1000 Genomes Project 0.00180; gnomAD 0.00276; ExAC 0.00320; TOPMed 0.00337; gnomAD exomes 0.00371; ESP Exome Variant Server 0.00380.
gnomAD v4.1: 5,914 of 1,613,912 alleles (0.37%); highest among the groups gnomAD compares: Non-Finnish European, 0.4%; 23 homozygotes.

Submissions (3):

Women's Health and Genetics/Laboratory Corporation of America, LabCorp
Classification: Benign. Last evaluated: 2026-05-13. Review status: criteria provided, single submitter. Criteria: LabCorp Variant Classification Summary - May 2015. Collection method: clinical testing. Allele origin: germline.

CeGaT Center for Human Genetics Tuebingen
Classification: Likely benign. Last evaluated: 2025-11-01. Review status: criteria provided, single submitter. Criteria: CeGaT Center For Human Genetics Tuebingen Variant Classification Criteria Version 2. Collection method: clinical testing. Allele origin: germline. Affected: yes. Observed: 2 variant alleles.
Comment: PAPPA2: BP4, BP7, BS2

Blueprint Genetics
Classification: Likely benign. Last evaluated: 2024-11-07. Review status: criteria provided, single submitter. Criteria: ACMG Guidelines, 2015. Collection method: clinical testing. Allele origin: germline.

NM_020318.3(PAPPA2):c.4383C>T (p.Pro1461=)

Gene: PAPPA2 (pappalysin 2; plus strand). Cytogenetic location: 1q25.2.
Variant type: single nucleotide variant.
Coding change: c.4383C>T on transcript NM_020318.3 (MANE Select); coding-DNA position 4383, C replaced by T.
Protein change: p.Pro1461=; no amino-acid change (proline 1461 retained).
Molecular consequence: synonymous variant.
Genome position (GRCh38, 1-based): chr1:176,769,666, C>T. VCF-style: chr1-176769666-C-T. GRCh37 (hg19) VCF-style: chr1-176738802-C-T.
Identifiers: ClinVar variation 2639583 (VCV002639583.26), dbSNP rs182946018, ClinGen allele CA1258099.
Genomic context (GRCh38, chr1:176,769,666, plus strand): 5'-GAAGGAAATTCTGCTCACATGTTCTTCTGGGCACTGGGACCAGAATGTGAGCTGCCTTCC[C>T]GTGGACTGCGGTGTTCCCGACCCGTCTTTGGTGAACTATGCAAACTTCTCCTGCTCAGAG-3'
Protein context (NP_064714.2, residues 1451-1471): GHWDQNVSCL[Pro1461=]VDCGVPDPSL